The following is an entry in ClinVar:

ClinVar aggregate classification (germline): Uncertain significance (1 of 4 stars; one submission).

Conditions:
Familial cold autoinflammatory syndrome 3 (FCAS3). Also called: FAMILIAL ATYPICAL COLD URTICARIA; ANTIBODY DEFICIENCY AND IMMUNE DYSREGULATION, PLCG2-ASSOCIATED. Identifiers: Orphanet 300359, MedGen C3280914, MONDO:0013766, OMIM 614468.

Allele frequency attached by ClinVar (database versions not stated): gnomAD exomes below 0.00001.
gnomAD v4.1: 4 of 1,614,078 alleles (0.00025%); highest among the groups gnomAD compares: African/African-American, 0.0053%; no homozygotes.

Submission:

Labcorp Genetics (formerly Invitae), Labcorp
Classification: Uncertain significance for Familial cold autoinflammatory syndrome 3. Last evaluated: 2022-06-03. Review status: criteria provided, single submitter. Criteria: Invitae Variant Classification Sherloc (09022015). Collection method: clinical testing. Allele origin: germline.
Comment: This variant has not been reported in the literature in individuals affected with PLCG2-related conditions. In summary, the available evidence is currently insufficient to determine the role of this variant in disease. Therefore, it has been classified as a Variant of Uncertain Significance. Algorithms developed to predict the effect of missense changes on protein structure and function are either unavailable or do not agree on the potential impact of this missense change (SIFT: "Tolerated"; PolyPhen-2: "Possibly Damaging"; Align-GVGD: "Class C0"). This variant is present in population databases (rs768608252, gnomAD 0.007%). This sequence change replaces glutamine, which is neutral and polar, with glutamic acid, which is acidic and polar, at codon 990 of the PLCG2 protein (p.Gln990Glu).

NM_002661.5(PLCG2):c.2968C>G (p.Gln990Glu)

Gene: PLCG2 (phospholipase C gamma 2; plus strand). Cytogenetic location: 16q23.3.
Variant type: single nucleotide variant.
Coding change: c.2968C>G on transcript NM_002661.5 (MANE Select); coding-DNA position 2968, C replaced by G.
Protein change: p.Gln990Glu; replaces glutamine 990 with glutamic acid.
Molecular consequence: missense variant.
Genome position (GRCh38, 1-based): chr16:81,936,294, C>G. VCF-style: chr16-81936294-C-G. GRCh37 (hg19) VCF-style: chr16-81969899-C-G.
Other names: short protein forms Q990E.
Identifiers: ClinVar variation 2002357 (VCV002002357.4), dbSNP rs768608252, ClinGen allele CA8194495.